The following is an entry in ClinVar:

ClinVar aggregate classification (germline): Likely benign. Review status: criteria provided, multiple submitters, no conflicts (2 of 4 stars). 4 submissions from 4 submitters: Likely benign (3). 1 of the submissions does not count toward it. Last evaluated 2025-04-08.

Conditions:
FAM20A-related disorder. Also called: FAM20A-related condition.
Amelogenesis imperfecta type 1G (AI1G). Also called: AMELOGENESIS IMPERFECTA, TYPE IG; AMELOGENESIS IMPERFECTA, HYPOPLASTIC, AND NEPHROCALCINOSIS; Amelogenesis imperfecta nephrocalcinosis; Enamel renal syndrome; Absent enamel, nephrocalcinosis and apparently normal calcium metabolism; Generalized enamel hypoplasia and renal dysfunction. Identifiers: Orphanet 1031, Orphanet 171836, MedGen C2931783, MONDO:0008771, OMIM 204690. Disease mechanism: loss of function.

Allele frequency attached by ClinVar (database versions not stated): TOPMed 0.00013; gnomAD 0.00019 and 0.00020; gnomAD exomes 0.00024 and 0.00026; ExAC 0.00069.
gnomAD v4.1: 365 of 1,561,486 alleles (0.023%); highest among the groups gnomAD compares: Non-Finnish European, 0.028%; no homozygotes.

Submissions (4):

Labcorp Genetics (formerly Invitae), Labcorp
Classification: Likely benign. Last evaluated: 2025-04-08. Review status: criteria provided, single submitter. Criteria: Invitae Variant Classification Sherloc (09022015). Collection method: clinical testing. Allele origin: germline.

Blueprint Genetics
Classification: Likely benign. Last evaluated: 2024-11-05. Review status: criteria provided, single submitter. Criteria: ACMG Guidelines, 2015. Collection method: clinical testing. Allele origin: germline.

Fulgent Genetics
Classification: Likely benign for Amelogenesis imperfecta type 1G. Last evaluated: 2021-11-17. Review status: criteria provided, single submitter. Criteria: ACMG Guidelines, 2015. Collection method: clinical testing. Allele origin: unknown.

PreventionGenetics, part of Exact Sciences
Classification: Likely benign for FAM20A-related condition. Last evaluated: 2020-01-30. Review status: no assertion criteria provided. Collection method: clinical testing. Allele origin: germline. Not counted in ClinVar's aggregate classification.
Comment: This variant is classified as likely benign based on ACMG/AMP sequence variant interpretation guidelines (Richards et al. 2015 PMID: 25741868, with internal and published modifications).

NM_017565.4(FAM20A):c.43C>T (p.Leu15=)

Gene: FAM20A (FAM20A golgi associated secretory pathway pseudokinase; minus strand). Cytogenetic location: 17q24.2.
Variant type: single nucleotide variant.
Coding change: c.43C>T on transcript NM_017565.4 (MANE Select); coding-DNA position 43, C replaced by T.
Protein change: p.Leu15=; no amino-acid change (leucine 15 retained).
Molecular consequence: synonymous variant. On other transcripts: 5 prime UTR variant (1).
Genome position (GRCh38, 1-based): chr17:68,600,624, G>A on the plus strand (C>T on the coding strand, the complement: FAM20A is on the minus strand). VCF-style: chr17-68600624-G-A. GRCh37 (hg19) VCF-style: chr17-66596765-G-A.
Other names: c.-598C>T (NM_001243746.2); c.43C>T (NM_017565.3).
Identifiers: ClinVar variation 1136451 (VCV001136451.13), dbSNP rs372862593, ClinGen allele CA8730193.